The following is an entry in ClinVar:

NM_000138.5(FBN1):c.1643A>G (p.Asn548Ser)

Gene: FBN1 (fibrillin 1; minus strand). Cytogenetic location: 15q21.1.
Variant type: single nucleotide variant.
Coding change: c.1643A>G on transcript NM_000138.5 (MANE Select); coding-DNA position 1643, A replaced by G.
Protein change: p.Asn548Ser; replaces asparagine 548 with serine.
Molecular consequence: missense variant.
Genome position (GRCh38, 1-based): chr15:48,510,115, T>C on the plus strand (A>G on the coding strand, the complement: FBN1 is on the minus strand). VCF-style: chr15-48510115-T-C. GRCh37 (hg19) VCF-style: chr15-48802312-T-C.
Other names: c.1643A>G, p.Asn548Ser (NM_001406716.1); short protein forms N548S.
Identifiers: ClinVar variation 4789669 (VCV004789669.1).

ClinVar aggregate classification (germline): Likely pathogenic (1 of 4 stars; one submission).

Conditions:
Marfan syndrome (MFS). Also called: FBN1-Related Marfan Syndrome; MARFAN SYNDROME, TYPE I; Marfan syndrome type 1; Marfan's syndrome; Marfan syndrome, classic. Identifiers: Orphanet 284963, Orphanet 558, MedGen C0024796, MONDO:0007947, OMIM 154700.
Familial thoracic aortic aneurysm and aortic dissection (TAAD). Also called: Thoracic aortic aneurysms and dissections. Identifiers: Orphanet 91387, MedGen C4707243, MONDO:0019625.

Submission:

Labcorp Genetics (formerly Invitae), Labcorp
Classification: Likely pathogenic for Marfan syndrome; Familial thoracic aortic aneurysm and aortic dissection. Last evaluated: 2025-11-20. Review status: criteria provided, single submitter. Criteria: Invitae Variant Classification Sherloc (09022015). Collection method: clinical testing. Allele origin: germline.
Comment: This sequence change replaces asparagine, which is neutral and polar, with serine, which is neutral and polar, at codon 548 of the FBN1 protein (p.Asn548Ser). This variant is not present in population databases (gnomAD no frequency). This variant has not been reported in the literature in individuals affected with FBN1-related conditions. Invitae Evidence Modeling of protein sequence and biophysical properties (such as structural, functional, and spatial information, amino acid conservation, physicochemical variation, residue mobility, and thermodynamic stability) indicates that this missense variant is expected to disrupt FBN1 protein function with a positive predictive value of 95%. This variant disrupts the p.Asn548 amino acid residue in FBN1. Other variant(s) that disrupt this residue have been determined to be pathogenic (PMID: 8406497). This suggests that this residue is clinically significant, and that variants that disrupt this residue are likely to be disease-causing. In summary, the currently available evidence indicates that the variant is pathogenic, but additional data are needed to prove that conclusively. Therefore, this variant has been classified as Likely Pathogenic.

Literature cited by the submitters: PubMed 8406497.